The following is an entry in ClinVar:

NM_001134363.3(RBM20):c.1711G>T (p.Val571Phe)

Gene: RBM20 (RNA binding motif protein 20; plus strand). Cytogenetic location: 10q25.2.
Variant type: single nucleotide variant.
Coding change: c.1711G>T on transcript NM_001134363.3 (MANE Select); coding-DNA position 1711, G replaced by T.
Protein change: p.Val571Phe; replaces valine 571 with phenylalanine.
Molecular consequence: missense variant.
Genome position (GRCh38, 1-based): chr10:110,799,829, G>T. VCF-style: chr10-110799829-G-T. GRCh37 (hg19) VCF-style: chr10-112559587-G-T.
Other names: short protein forms V571F.
Identifiers: ClinVar variation 2854952 (VCV002854952.3), dbSNP rs2493449072, ClinGen allele CA378390718.

ClinVar aggregate classification (germline): Uncertain significance (1 of 4 stars; one submission).

Conditions:
Dilated cardiomyopathy 1DD (CMD1DD). Identifiers: Orphanet 154, MedGen C2750995, MONDO:0013168, OMIM 613172.

Submission:

Labcorp Genetics (formerly Invitae), Labcorp
Classification: Uncertain significance for Dilated cardiomyopathy 1DD. Last evaluated: 2023-04-11. Review status: criteria provided, single submitter. Criteria: Invitae Variant Classification Sherloc (09022015). Collection method: clinical testing. Allele origin: germline.
Comment: This variant is not present in population databases (gnomAD no frequency). In summary, the available evidence is currently insufficient to determine the role of this variant in disease. Therefore, it has been classified as a Variant of Uncertain Significance. Advanced modeling of protein sequence and biophysical properties (such as structural, functional, and spatial information, amino acid conservation, physicochemical variation, residue mobility, and thermodynamic stability) has been performed at Invitae for this missense variant, however the output from this modeling did not meet the statistical confidence thresholds required to predict the impact of this variant on RBM20 protein function. This variant has not been reported in the literature in individuals affected with RBM20-related conditions. This sequence change replaces valine, which is neutral and non-polar, with phenylalanine, which is neutral and non-polar, at codon 571 of the RBM20 protein (p.Val571Phe).